The following is an entry in ClinVar:

ClinVar aggregate classification (germline): Uncertain significance (1 of 4 stars; one submission).

Allele frequency attached by ClinVar (database versions not stated): gnomAD exomes below 0.00001; TOPMed below 0.00001; gnomAD 0.00001.
gnomAD v4.1: 3 of 1,612,542 alleles (0.00019%); highest among the groups gnomAD compares: African/African-American, 0.004%; no homozygotes.

Submission:

Labcorp Genetics (formerly Invitae), Labcorp
Classification: Uncertain significance. Last evaluated: 2022-11-10. Review status: criteria provided, single submitter. Criteria: Invitae Variant Classification Sherloc (09022015). Collection method: clinical testing. Allele origin: germline.
Comment: This sequence change replaces serine, which is neutral and polar, with glycine, which is neutral and non-polar, at codon 14 of the NCSTN protein (p.Ser14Gly). In summary, the available evidence is currently insufficient to determine the role of this variant in disease. Therefore, it has been classified as a Variant of Uncertain Significance. Algorithms developed to predict the effect of missense changes on protein structure and function output the following: SIFT: "Tolerated"; PolyPhen-2: "Benign"; Align-GVGD: "Class C0". The glycine amino acid residue is found in multiple mammalian species, which suggests that this missense change does not adversely affect protein function. This variant has not been reported in the literature in individuals affected with NCSTN-related conditions. This variant is present in population databases (no rsID available, gnomAD 0.01%).

NM_015331.3(NCSTN):c.40A>G (p.Ser14Gly)

Gene: NCSTN (nicastrin; plus strand). Cytogenetic location: 1q23.2.
Variant type: single nucleotide variant.
Coding change: c.40A>G on transcript NM_015331.3 (MANE Select); coding-DNA position 40, A replaced by G.
Protein change: p.Ser14Gly; replaces serine 14 with glycine.
Molecular consequence: missense variant. On other transcripts: 5 prime UTR variant (1).
Genome position (GRCh38, 1-based): chr1:160,343,436, A>G. VCF-style: chr1-160343436-A-G. GRCh37 (hg19) VCF-style: chr1-160313226-A-G.
Other names: c.-160A>G (NM_001290184.2); c.40A>G, p.Ser14Gly (NM_001290186.2, NM_001349729.2); short protein forms S14G.
Identifiers: ClinVar variation 2978481 (VCV002978481.3), dbSNP rs1362905608, ClinGen allele CA343274413.